The following is an entry in ClinVar:

ClinVar aggregate classification (germline): Conflicting classifications of pathogenicity. Review status: criteria provided, conflicting classifications (1 of 4 stars). 5 submissions from 5 submitters: Uncertain significance (4); Likely benign (1). Last evaluated 2025-09-03.

Conditions:
Hereditary cancer-predisposing syndrome. Also called: Tumor predisposition; Neoplastic Syndromes, Hereditary; Hereditary Cancer Syndrome; Hereditary neoplastic syndrome. Identifiers: Orphanet 140162, MedGen C0027672, MeSH D009386, MONDO:0015356.
Hereditary breast ovarian cancer syndrome. Also called: Hereditary breast and ovarian cancer; Hereditary breast and ovarian cancer syndrome (HBOC); Hereditary breast and/or ovarian cancer syndrome; Hereditary breast and ovarian cancer syndrome; Breast and ovarian cancer; BRCA1- and BRCA2-Associated Hereditary Breast and Ovarian Cancer. Identifiers: Orphanet 145, MedGen C0677776, MeSH D061325, MONDO:0003582. Disease mechanism: loss of function.
Breast-ovarian cancer, familial, susceptibility to, 2 (BROVCA2). Also called: BRCA2 Hereditary Breast and Ovarian Cancer. Identifiers: Orphanet 145, MedGen C2675520, MONDO:0012933, OMIM 612555. Disease mechanism: loss of function.

Submissions (5):

Labcorp Genetics (formerly Invitae), Labcorp
Classification: Uncertain significance for Hereditary breast ovarian cancer syndrome. Last evaluated: 2025-09-03. Review status: criteria provided, single submitter. Criteria: Invitae Variant Classification Sherloc (09022015). Collection method: clinical testing. Allele origin: germline.
Comment: This sequence change replaces phenylalanine, which is neutral and non-polar, with cysteine, which is neutral and slightly polar, at codon 266 of the BRCA2 protein (p.Phe266Cys). This variant is not present in population databases (gnomAD no frequency). This variant has not been reported in the literature in individuals affected with BRCA2-related conditions. ClinVar contains an entry for this variant (Variation ID: 628810). Invitae Evidence Modeling of protein sequence and biophysical properties (such as structural, functional, and spatial information, amino acid conservation, physicochemical variation, residue mobility, and thermodynamic stability) indicates that this missense variant is not expected to disrupt BRCA2 protein function with a negative predictive value of 95%. In summary, the available evidence is currently insufficient to determine the role of this variant in disease. Therefore, it has been classified as a Variant of Uncertain Significance.

Ambry Genetics
Classification: Uncertain significance for Hereditary cancer-predisposing syndrome. Last evaluated: 2024-10-29. Review status: criteria provided, single submitter. Criteria: Ambry Variant Classification Scheme 2023. Collection method: clinical testing. Allele origin: germline.
Comment: The p.F266C variant (also known as c.797T>G), located in coding exon 9 of the BRCA2 gene, results from a T to G substitution at nucleotide position 797. The phenylalanine at codon 266 is replaced by cysteine, an amino acid with highly dissimilar properties. This amino acid position is poorly conserved in available vertebrate species. In addition, this alteration is predicted to be tolerated by in silico analysis. Since supporting evidence is limited at this time, the clinical significance of this alteration remains unclear.

All of Us Research Program, National Institutes of Health
Classification: Uncertain significance for Breast-ovarian cancer, familial, susceptibility to, 2. Last evaluated: 2023-08-15. Review status: criteria provided, single submitter. Criteria: ACMG Guidelines, 2015. Collection method: clinical testing. Allele origin: germline. Inheritance: Autosomal dominant inheritance. Observed: 1 variant allele, 1 heterozygote.
Comment: This missense variant replaces phenylalanine with cysteine at codon 266 of the BRCA2 protein. Computational prediction suggests that this variant may not impact protein structure and function (internally defined REVEL score threshold <= 0.5, PMID: 27666373). To our knowledge, functional studies have not been reported for this variant. This variant has not been reported in individuals affected with BRCA2-related disorders in the literature, but has been reported in an unaffected individual (PMID: 33471991; Leiden Open Variation Database DB-ID BRCA2_007763). This variant has not been identified in the general population by the Genome Aggregation Database (gnomAD). The available evidence is insufficient to determine the role of this variant in disease conclusively. Therefore, this variant is classified as a Variant of Uncertain Significance.

This study involves interpretation of variants in research participants for the purpose of population health screening. Participant phenotype was not available at the time of variant classification. Additional details can be found in publication PMID: 35346344, PMCID: PMC8962531

Color Diagnostics, LLC DBA Color Health
Classification: Uncertain significance for Hereditary cancer-predisposing syndrome. Last evaluated: 2023-07-21. Review status: criteria provided, single submitter. Criteria: ACMG Guidelines, 2015. Collection method: clinical testing. Allele origin: germline.
Comment: This missense variant replaces phenylalanine with cysteine at codon 266 of the BRCA2 protein. Computational prediction suggests that this variant may not impact protein structure and function (internally defined REVEL score threshold <= 0.5, PMID: 27666373). To our knowledge, functional studies have not been reported for this variant. This variant has not been reported in individuals affected with BRCA2-related disorders in the literature, but has been reported in an unaffected individual (PMID: 33471991; Leiden Open Variation Database DB-ID BRCA2_007763). This variant has not been identified in the general population by the Genome Aggregation Database (gnomAD). The available evidence is insufficient to determine the role of this variant in disease conclusively. Therefore, this variant is classified as a Variant of Uncertain Significance.

University of Washington Department of Laboratory Medicine, University of Washington
Classification: Likely benign for Hereditary cancer-predisposing syndrome. Last evaluated: 2023-03-23. Review status: criteria provided, single submitter. Criteria: Dines et al. (Genet Med. 2020). Collection method: curation. Allele origin: germline.
Comment: Missense variant in a coldspot region where missense variants are very unlikely to be pathogenic (PMID:31911673).

BRCA2 exon 10 coldspot. Reclassification based on statistical prior probability.

Literature cited by the submitters: PubMed 33471991 (cited by All of Us Research Program, National Institutes of Health and Color Diagnostics, LLC DBA Color Health).

NM_000059.4(BRCA2):c.797T>G (p.Phe266Cys)

Gene: BRCA2 (BRCA2 DNA repair associated; plus strand). Cytogenetic location: 13q13.1.
Variant type: single nucleotide variant.
Coding change: c.797T>G on transcript NM_000059.4 (MANE Select); coding-DNA position 797, T replaced by G.
Protein change: p.Phe266Cys; replaces phenylalanine 266 with cysteine.
Molecular consequence: missense variant.
Genome position (GRCh38, 1-based): chr13:32,332,275, T>G. VCF-style: chr13-32332275-T-G. GRCh37 (hg19) VCF-style: chr13-32906412-T-G.
Other names: short protein forms F266C.
Identifiers: ClinVar variation 628810 (VCV000628810.18), dbSNP rs1566222067, ClinGen allele CA387760340.
Genomic context (GRCh38, chr13:32,332,275, plus strand): 5'-AATATAAATTATATGGCTTATAAAATATTAATGTGCTTCTGTTTTATACTTTAACAGGAT[T>G]TGGAAAAACATCAGGGAATTCATTTAAAGTAAATAGCTGCAAAGACCACATTGGAAAGTC-3'
Protein context (NP_000050.3, residues 256-276): TNQREAASHG[Phe266Cys]GKTSGNSFKV